The following is an entry in ClinVar:

NM_000059.4(BRCA2):c.7297C>A (p.Gln2433Lys)

Gene: BRCA2 (BRCA2 DNA repair associated; plus strand). Cytogenetic location: 13q13.1.
Variant type: single nucleotide variant.
Coding change: c.7297C>A on transcript NM_000059.4 (MANE Select); coding-DNA position 7297, C replaced by A.
Protein change: p.Gln2433Lys; replaces glutamine 2433 with lysine.
Molecular consequence: missense variant.
Genome position (GRCh38, 1-based): chr13:32,355,150, C>A. VCF-style: chr13-32355150-C-A. GRCh37 (hg19) VCF-style: chr13-32929287-C-A.
Other names: c.7201C>A, p.Gln2401Lys (NM_001406719.1); c.7297C>A, p.Gln2433Lys (NM_001406720.1); c.2365C>A, p.Gln789Lys (NM_001406721.1); c.880C>A, p.Gln294Lys (NM_001406722.1); short protein forms Q2401K, Q789K, Q2433K, Q294K.
Identifiers: ClinVar variation 1758128 (VCV001758128.2), dbSNP rs2137557757, ClinGen allele CA387740856.

ClinVar aggregate classification (germline): Uncertain significance (1 of 4 stars; one submission).

Conditions:
Hereditary cancer-predisposing syndrome. Also called: Neoplastic Syndromes, Hereditary; Tumor predisposition; Hereditary Cancer Syndrome; Hereditary neoplastic syndrome. Identifiers: Orphanet 140162, MedGen C0027672, MeSH D009386, MONDO:0015356.

Submission:

Ambry Genetics
Classification: Uncertain significance for Hereditary cancer-predisposing syndrome. Last evaluated: 2022-01-03. Review status: criteria provided, single submitter. Criteria: Ambry Variant Classification Scheme 2023. Collection method: clinical testing. Allele origin: germline.
Comment: The p.Q2433K variant (also known as c.7297C>A), located in coding exon 13 of the BRCA2 gene, results from a C to A substitution at nucleotide position 7297. The glutamine at codon 2433 is replaced by lysine, an amino acid with similar properties. This amino acid position is conserved. In addition, the in silico prediction for this alteration is inconclusive. Since supporting evidence is limited at this time, the clinical significance of this alteration remains unclear.